The following is an entry in ClinVar:

NM_001242896.3(DEPDC5):c.971G>A (p.Arg324His)

Gene: DEPDC5 (DEP domain containing 5, GATOR1 subcomplex subunit; plus strand). Cytogenetic location: 22q12.3.
Variant type: single nucleotide variant.
Coding change: c.971G>A on transcript NM_001242896.3 (MANE Select); coding-DNA position 971, G replaced by A.
Protein change: p.Arg324His; replaces arginine 324 with histidine.
Molecular consequence: missense variant. On other transcripts: non-coding transcript variant (5).
Genome position (GRCh38, 1-based): chr22:31,802,728, G>A. VCF-style: chr22-31802728-G-A. GRCh37 (hg19) VCF-style: chr22-32198714-G-A.
Other names: c.971G>A, p.Arg324His (NM_001007188.4, NM_001136029.4, NM_001242897.2 and 7 more transcripts); c.887G>A, p.Arg296His (NM_001369901.1, NM_001369902.1); short protein forms R296H, R324H.
Identifiers: ClinVar variation 1055779 (VCV001055779.11), dbSNP rs2087011135, ClinGen allele CA411292783.

ClinVar aggregate classification (germline): Uncertain significance. Review status: criteria provided, multiple submitters, no conflicts (2 of 4 stars). 3 submissions from 3 submitters: Uncertain significance (3). Last evaluated 2022-07-08.

Conditions:
Familial focal epilepsy with variable foci (FPEVF). Identifiers: Orphanet 98820, MedGen C1858477, MONDO:0020310.
Inborn genetic diseases. Identifiers: MedGen C0950123, MeSH D030342.

Submissions (3):

GeneDx
Classification: Uncertain significance. Last evaluated: 2022-07-08. Review status: criteria provided, single submitter. Criteria: GeneDx Variant Classification Process June 2021. Collection method: clinical testing. Allele origin: germline. Affected: yes.
Comment: Not observed at significant frequency in large population cohorts (gnomAD); In silico analysis supports that this missense variant has a deleterious effect on protein structure/function; Has not been previously published as pathogenic or benign to our knowledge

Ambry Genetics
Classification: Uncertain significance for Inborn genetic diseases. Last evaluated: 2022-02-03. Review status: criteria provided, single submitter. Criteria: Ambry Variant Classification Scheme 2023. Collection method: clinical testing. Allele origin: germline.

Labcorp Genetics (formerly Invitae), Labcorp
Classification: Uncertain significance for Familial focal epilepsy with variable foci. Last evaluated: 2021-08-15. Review status: criteria provided, single submitter. Criteria: Invitae Variant Classification Sherloc (09022015). Collection method: clinical testing. Allele origin: germline.
Comment: Algorithms developed to predict the effect of missense changes on protein structure and function (SIFT, Align-GVGD) all suggest that this variant is likely to be disruptive, but these predictions have not been confirmed by published functional studies and their clinical significance is uncertain. This sequence change replaces arginine with histidine at codon 324 of the DEPDC5 protein (p.Arg324His). The arginine residue is highly conserved and there is a small physicochemical difference between arginine and histidine. This variant is not present in population databases (ExAC no frequency). This variant has not been reported in the literature in individuals with DEPDC5-related disease. In summary, the available evidence is currently insufficient to determine the role of this variant in disease. Therefore, it has been classified as a Variant of Uncertain Significance.